The following is an entry in ClinVar:

ClinVar aggregate classification (germline): Uncertain significance (1 of 4 stars; one submission).

Submission:

Ambry Genetics
Classification: Uncertain significance. Last evaluated: 2023-04-19. Review status: criteria provided, single submitter. Criteria: Ambry Variant Classification Scheme 2023. Collection method: clinical testing. Allele origin: germline.
Comment: The c.1727_1728delTCinsAA variant, located in coding exon 10 of the GALNT12 gene, results from an in-frame deletion of TC and insertion of AA at nucleotide positions 1727 to 1728. This results in a translational frameshift with a predicted alternate stop codon (p.F576*). This alteration occurs at the 3' terminus of theGALNT12 gene, is not expected to trigger nonsense-mediated mRNAdecay, and only impacts the last 6 amino acids of the protein. The exact functional effect of this alteration is unknown. The evidence for this gene-disease relationship is limited; therefore, the clinical significance of this alteration is unclear.

NM_024642.5(GALNT12):c.1727_1728delinsAA (p.Phe576Ter)

Gene: GALNT12 (polypeptide N-acetylgalactosaminyltransferase 12; plus strand). Cytogenetic location: 9q22.33.
Variant type: Indel.
Coding change: c.1727_1728delinsAA on transcript NM_024642.5 (MANE Select); coding-DNA positions 1727 to 1728, TC replaced by AA.
Protein change: p.Phe576Ter; replaces phenylalanine 576 with a stop codon.
Molecular consequence: nonsense.
Genome position (GRCh38, 1-based): chr9:98,849,073-98,849,074, TC replaced by AA. VCF-style: chr9-98849073-TC-AA. GRCh37 (hg19) VCF-style: chr9-101611355-TC-AA.
Other names: short protein forms F576*.
Identifiers: ClinVar variation 2562228 (VCV002562228.2), dbSNP rs2490566111, ClinGen allele CA2580616262.